The following is an entry in ClinVar:

ClinVar aggregate classification (germline): Uncertain significance (1 of 4 stars; one submission).

Allele frequency attached by ClinVar (database versions not stated): gnomAD exomes below 0.00001.
gnomAD v4.1: 2 of 1,612,862 alleles (0.00012%); highest among the groups gnomAD compares: Non-Finnish European, 0.00017%; no homozygotes.

Submission:

Labcorp Genetics (formerly Invitae), Labcorp
Classification: Uncertain significance. Last evaluated: 2023-12-11. Review status: criteria provided, single submitter. Criteria: Invitae Variant Classification Sherloc (09022015). Collection method: clinical testing. Allele origin: germline.
Comment: This sequence change replaces threonine, which is neutral and polar, with alanine, which is neutral and non-polar, at codon 96 of the AK7 protein (p.Thr96Ala). This variant is not present in population databases (gnomAD no frequency). This variant has not been reported in the literature in individuals affected with AK7-related conditions. ClinVar contains an entry for this variant (Variation ID: 1354700). Advanced modeling of protein sequence and biophysical properties (such as structural, functional, and spatial information, amino acid conservation, physicochemical variation, residue mobility, and thermodynamic stability) performed at Invitae indicates that this missense variant is not expected to disrupt AK7 protein function with a negative predictive value of 80%. In summary, the available evidence is currently insufficient to determine the role of this variant in disease. Therefore, it has been classified as a Variant of Uncertain Significance.

NM_152327.5(AK7):c.286A>G (p.Thr96Ala)

Gene: AK7 (adenylate kinase 7; plus strand). Cytogenetic location: 14q32.2.
Variant type: single nucleotide variant.
Coding change: c.286A>G on transcript NM_152327.5 (MANE Select); coding-DNA position 286, A replaced by G.
Protein change: p.Thr96Ala; replaces threonine 96 with alanine.
Molecular consequence: missense variant.
Genome position (GRCh38, 1-based): chr14:96,398,255, A>G. VCF-style: chr14-96398255-A-G. GRCh37 (hg19) VCF-style: chr14-96864592-A-G.
Other names: c.286A>G, p.Thr96Ala (NM_001350888.2, NM_001350890.2, NM_001350891.2 and 1 more transcripts); short protein forms T96A.
Identifiers: ClinVar variation 1354700 (VCV001354700.6), dbSNP rs927249032, ClinGen allele CA266036092.